The following is an entry in ClinVar:

ClinVar aggregate classification (germline): Conflicting classifications of pathogenicity. Review status: criteria provided, conflicting classifications (1 of 4 stars). 2 submissions from 2 submitters: Uncertain significance (1); Likely benign (1). Last evaluated 2025-12-21.

Conditions:
Hereditary cancer-predisposing syndrome. Also called: Hereditary Cancer Syndrome; Neoplastic Syndromes, Hereditary; Tumor predisposition; Hereditary neoplastic syndrome. Identifiers: Orphanet 140162, MedGen C0027672, MeSH D009386, MONDO:0015356.
Bloom syndrome (BLM). Also called: Bloom-Torre-Machacek syndrome. Identifiers: Orphanet 125, MedGen C0005859, MONDO:0008876, OMIM 210900.

gnomAD v4.1: 1 of 1,613,440 alleles (0.000062%); highest among the groups gnomAD compares: African/African-American, 0.0013%; no homozygotes.

Submissions (2):

Ambry Genetics
Classification: Likely benign for Hereditary cancer-predisposing syndrome. Last evaluated: 2025-12-21. Review status: criteria provided, single submitter. Criteria: Ambry Variant Classification Scheme 2023. Collection method: clinical testing. Allele origin: germline.

Labcorp Genetics (formerly Invitae), Labcorp
Classification: Uncertain significance for Bloom syndrome. Last evaluated: 2025-02-05. Review status: criteria provided, single submitter. Criteria: Invitae Variant Classification Sherloc (09022015). Collection method: clinical testing. Allele origin: germline.
Comment: This sequence change affects codon 266 of the BLM mRNA. It is a 'silent' change, meaning that it does not change the encoded amino acid sequence of the BLM protein. It affects a nucleotide within the consensus splice site. This variant is not present in population databases (gnomAD no frequency). This variant has not been reported in the literature in individuals affected with BLM-related conditions. Algorithms developed to predict the effect of sequence changes on RNA splicing suggest that this variant is not likely to affect RNA splicing. In summary, the available evidence is currently insufficient to determine the role of this variant in disease. Therefore, it has been classified as a Variant of Uncertain Significance.

NM_000057.4(BLM):c.798A>G (p.Arg266=)

Gene: BLM (BLM RecQ like helicase; plus strand). Cytogenetic location: 15q26.1.
Variant type: single nucleotide variant.
Coding change: c.798A>G on transcript NM_000057.4 (MANE Select); coding-DNA position 798, A replaced by G.
Protein change: p.Arg266=; no amino-acid change (arginine 266 retained).
Molecular consequence: synonymous variant. On other transcripts: 5 prime UTR variant (1).
Genome position (GRCh38, 1-based): chr15:90,750,066, A>G. VCF-style: chr15-90750066-A-G. GRCh37 (hg19) VCF-style: chr15-91293296-A-G.
Other names: c.798A>G, p.Arg266= (NM_001287246.2, NM_001287247.2); c.-494A>G (NM_001287248.2).
Identifiers: ClinVar variation 3705377 (VCV003705377.3).
Genomic context (GRCh38, chr15:90,750,066, plus strand): 5'-GCATATAAATGAAGATGCTCAGGAAAGTGACTCTCTGAAAACTCATTTGGAAGATGAAAG[A>G]GGTAACAATTATTTTATCTTCATTTTAGTATGTTCATTGTACTTTTTTATTCAAAGCTAG-3'
Protein context (NP_000048.1, residues 256-276): DSLKTHLEDE[Arg266=]DNSEKKKNLE